The following is an entry in ClinVar:

NM_001290060.2(SEMA3B):c.536T>A (p.Val179Glu)

Gene: SEMA3B (semaphorin 3B; plus strand). Cytogenetic location: 3p21.31.
Variant type: single nucleotide variant.
Coding change: c.536T>A on transcript NM_001290060.2 (MANE Select); coding-DNA position 536, T replaced by A.
Protein change: p.Val179Glu; replaces valine 179 with glutamic acid.
Molecular consequence: missense variant.
Genome position (GRCh38, 1-based): chr3:50,271,173, T>A. VCF-style: chr3-50271173-T-A. GRCh37 (hg19) VCF-style: chr3-50308604-T-A.
Other names: c.536T>A, p.Val179Glu (NM_001005914.3, NM_001290061.1, NM_004636.4); short protein forms V179E.
Identifiers: ClinVar variation 2635048 (VCV002635048.1), dbSNP rs781837482, ClinGen allele CA2413787.

ClinVar aggregate classification (germline): Uncertain significance (1 of 4 stars; one submission).

Conditions:
SEMA3B-related disorder. Also called: SEMA3B-related condition.

Allele frequency attached by ClinVar (database versions not stated): gnomAD exomes 0.00001; ExAC 0.00003.

Submission:

PreventionGenetics, part of Exact Sciences
Classification: Uncertain significance for SEMA3B-related condition. Last evaluated: 2022-11-21. Review status: criteria provided, single submitter. Criteria: ACMG Guidelines, 2015. Collection method: clinical testing. Allele origin: germline.
Comment: The SEMA3B c.536T>A variant is predicted to result in the amino acid substitution p.Val179Glu. To our knowledge, this variant has not been reported in the literature. This variant is reported in 0.0040% of alleles in individuals of European (Non-Finnish) descent in gnomAD. At this time, the clinical significance of this variant is uncertain due to the absence of conclusive functional and genetic evidence.